The following is an entry in ClinVar:

NM_020297.4(ABCC9):c.4139T>G (p.Leu1380Ter)

Genes: ABCC9 (ATP binding cassette subfamily C member 9; minus strand), KCNJ8-AS1 (KCNJ8 antisense RNA 1; plus strand). Cytogenetic location: 12p12.1.
Variant type: single nucleotide variant.
Coding change: c.4139T>G on transcript NM_020297.4 (MANE Select); coding-DNA position 4139, T replaced by G.
Protein change: p.Leu1380Ter; replaces leucine 1380 with a stop codon.
Molecular consequence: nonsense.
Genome position (GRCh38, 1-based): chr12:21,812,121, A>C on the plus strand (T>G on the coding strand, the complement: ABCC9 is on the minus strand). VCF-style: chr12-21812121-A-C. GRCh37 (hg19) VCF-style: chr12-21965055-A-C.
Other names: c.4139T>G, p.Leu1380Ter (NM_001377273.1, NM_005691.4); c.3272T>G, p.Leu1091Ter (NM_001377274.1); short protein forms L1380*, L1091*.
Identifiers: ClinVar variation 3404758 (VCV003404758.3).

ClinVar aggregate classification (germline): Conflicting classifications of pathogenicity. Review status: criteria provided, conflicting classifications (1 of 4 stars). 2 submissions from 2 submitters: Pathogenic (1); Uncertain significance (1). Last evaluated 2024-07-18.

Conditions:
Dilated cardiomyopathy 1O (CMD1O). Also called: CARDIOMYOPATHY, DILATED, WITH VENTRICULAR TACHYCARDIA. Identifiers: Orphanet 154, MedGen C1837839, MONDO:0012062, OMIM 608569.
Cardiovascular phenotype. Identifiers: MedGen CN230736.

gnomAD v4.1: 2 of 1,613,108 alleles (0.00012%); highest among the groups gnomAD compares: Non-Finnish European, 0.00017%; no homozygotes.

Submissions (2):

Ambry Genetics
Classification: Uncertain significance for Cardiovascular phenotype. Last evaluated: 2024-07-18. Review status: criteria provided, single submitter. Criteria: Ambry Variant Classification Scheme 2023. Collection method: clinical testing. Allele origin: germline.
Comment: The p.L1380* variant (also known as c.4139T>G), located in coding exon 34 of the ABCC9 gene, results from a T to G substitution at nucleotide position 4139. This changes the amino acid from a leucine to a stop codon within coding exon 34. This alteration is expected to result in loss of function by premature protein truncation or nonsense-mediated mRNA decay. Although biallelic loss of function of ABCC9 has been associated with autosomal recessive ABCC9-related neurodevelopmental myopathy syndrome, haploinsufficiency of ABCC9 has not been established as a mechanism of disease for autosomal dominant ABCC9-related Cant&uacute; syndrome. Based on the supporting evidence, this variant is expected to be causative of autosomal recessive ABCC9-related neurodevelopmental myopathy syndrome when present along with a second pathogenic variant on the other allele; however, its clinical significance for autosomal dominant ABCC9-related Cant&uacute; syndrome is unclear.

Labcorp Genetics (formerly Invitae), Labcorp
Classification: Pathogenic for Dilated cardiomyopathy 1O. Last evaluated: 2024-07-08. Review status: criteria provided, single submitter. Criteria: Invitae Variant Classification Sherloc (09022015). Collection method: clinical testing. Allele origin: germline.
Comment: This sequence change creates a premature translational stop signal (p.Leu1380*) in the ABCC9 gene. It is expected to result in an absent or disrupted protein product. Loss-of-function variants in ABCC9 are known to be pathogenic (PMID: 31575858, 38217872). This variant is not present in population databases (gnomAD no frequency). This variant has not been reported in the literature in individuals affected with ABCC9-related conditions. For these reasons, this variant has been classified as Pathogenic.

Literature cited by the submitters: PubMed 31575858 (cited by Labcorp Genetics (formerly Invitae), Labcorp); PubMed 38217872 (cited by Labcorp Genetics (formerly Invitae), Labcorp).